The following is an entry in ClinVar:

NM_001127222.2(CACNA1A):c.2944G>A (p.Gly982Ser)

Gene: CACNA1A (calcium voltage-gated channel subunit alpha1 A; minus strand). Cytogenetic location: 19p13.13.
Variant type: single nucleotide variant.
Coding change: c.2944G>A on transcript NM_001127222.2 (MANE Select); coding-DNA position 2944, G replaced by A.
Protein change: p.Gly982Ser; replaces glycine 982 with serine.
Molecular consequence: missense variant.
Genome position (GRCh38, 1-based): chr19:13,298,689, C>T on the plus strand (G>A on the coding strand, the complement: CACNA1A is on the minus strand). VCF-style: chr19-13298689-C-T. GRCh37 (hg19) VCF-style: chr19-13409503-C-T.
Other names: c.2956G>A, p.Gly986Ser (NM_000068.4, NM_023035.3); c.2947G>A, p.Gly983Ser (NM_001127221.2, NM_001174080.2); short protein forms G982S, G983S, G986S.
Identifiers: ClinVar variation 1505779 (VCV001505779.8), dbSNP rs1367737519, ClinGen allele CA404342394.

ClinVar aggregate classification (germline): Uncertain significance (1 of 4 stars; one submission).

Conditions:
Episodic ataxia type 2 (EA2). Also called: ATAXIA, EPISODIC, WITH NYSTAGMUS; ATAXIA, FAMILIAL PAROXYSMAL; CEREBELLAR ATAXIA, PAROXYSMAL, ACETAZOLAMIDE-RESPONSIVE; CEREBELLOPATHY, HEREDITARY PAROXYSMAL; ACETAZOLAMIDE-RESPONSIVE HEREDITARY PAROXYSMAL CEREBELLAR ATAXIA; EPISODIC ATAXIA, NYSTAGMUS-ASSOCIATED. Identifiers: Orphanet 97, MedGen C1720416, MONDO:0007163, OMIM 108500.
Developmental and epileptic encephalopathy, 42 (DEE42A). Also called: DEVELOPMENTAL AND EPILEPTIC ENCEPHALOPATHY 42A; EPILEPTIC ENCEPHALOPATHY, EARLY INFANTILE, 42A; Epileptic encephalopathy, early infantile, 42. Identifiers: MedGen C4310716, MONDO:0014917, OMIM 617106.

Allele frequency attached by ClinVar (database versions not stated): TOPMed below 0.00001; gnomAD exomes 0.00005.
gnomAD v4.1: 59 of 1,455,410 alleles (0.0041%); highest among the groups gnomAD compares: Non-Finnish European, 0.0052%; no homozygotes.

Submission:

Labcorp Genetics (formerly Invitae), Labcorp
Classification: Uncertain significance for Developmental and epileptic encephalopathy, 42; Episodic ataxia type 2. Last evaluated: 2024-11-15. Review status: criteria provided, single submitter. Criteria: Invitae Variant Classification Sherloc (09022015). Collection method: clinical testing. Allele origin: germline.
Comment: This sequence change replaces glycine, which is neutral and non-polar, with serine, which is neutral and polar, at codon 983 of the CACNA1A protein (p.Gly983Ser). This variant is not present in population databases (gnomAD no frequency). This missense change has been observed in individual(s) with lacunar stroke (PMID: 31719132). This variant is also known as c.2944G>A (p.Gly982Ser). ClinVar contains an entry for this variant (Variation ID: 1505779). Invitae Evidence Modeling of protein sequence and biophysical properties (such as structural, functional, and spatial information, amino acid conservation, physicochemical variation, residue mobility, and thermodynamic stability) indicates that this missense variant is not expected to disrupt CACNA1A protein function with a negative predictive value of 95%. In summary, the available evidence is currently insufficient to determine the role of this variant in disease. Therefore, it has been classified as a Variant of Uncertain Significance.

Literature cited by the submitters: PubMed 31719132.